The following is an entry in ClinVar:

ClinVar aggregate classification (germline): Pathogenic (1 of 4 stars; one submission).

Submission:

GeneDx
Classification: Pathogenic. Last evaluated: 2012-08-01. Review status: criteria provided, single submitter. Criteria: GeneDx Variant Classification (06012015). Collection method: clinical testing. Allele origin: germline. Affected: yes.
Comment: Although the c.2732delG variant in the KCNH2 gene has not been reported to our knowledge, this variant causes a shift in reading frame starting at codon Glycine 911, changing it to a Alanine, and creating a premature stop codon at position 63 of the new reading frame, denoted p.Gly911AlafsX63. This variant is expected to result in either an abnormal, truncated protein product or loss of protein from this allele through nonsense-mediated mRNA decay. Other frameshift mutations in the KCNH2 gene have been reported in association with LQTS. In summary, c.2732delG in the KCNH2 gene is interpreted as a pathogenic variant.

NM_000238.4(KCNH2):c.2732del (p.Gly911fs)

Gene: KCNH2 (potassium voltage-gated channel subfamily H member 2; minus strand). Cytogenetic location: 7q36.1.
Variant type: Deletion.
Coding change: c.2732del on transcript NM_000238.4 (MANE Select); coding-DNA position 2732, one base deleted (G; older notation c.2732delG).
Protein change: p.Gly911fs; shifts the reading frame from glycine 911.
Molecular consequence: frameshift variant.
Genome position (GRCh38, 1-based): chr7:150,947,839, C deleted on the plus strand (G on the coding strand, the reverse complement: KCNH2 is on the minus strand); the first of 3 consecutive C bases (chr7:150,947,839-150,947,841); deleting any one gives the same sequence. VCF-style (leftmost placement, unchanged base first): chr7-150947838-GC-G. GRCh37 (hg19) VCF-style: chr7-150644926-GC-G.
Other names: c.1712del, p.Gly571fs (NM_172057.3); short protein forms G571fs, G911fs.
Identifiers: ClinVar variation 200664 (VCV000200664.2), dbSNP rs794728451, ClinGen allele CA007240.